The following is an entry in ClinVar:

ClinVar aggregate classification (germline): Likely benign (1 of 4 stars; one submission).

Submission:

GeneDx
Classification: Likely benign. Last evaluated: 2017-08-17. Review status: criteria provided, single submitter. Criteria: GeneDx Variant Classification (06012015). Collection method: clinical testing. Allele origin: germline. Affected: yes.
Comment: This variant is considered likely benign or benign based on one or more of the following criteria: it is a conservative change, it occurs at a poorly conserved position in the protein, it is predicted to be benign by multiple in silico algorithms, and/or has population frequency not consistent with disease.

NM_145239.3(PRRT2):c.879+20A>G

Genes: MVP-DT (MVP divergent transcript; minus strand), PRRT2 (proline rich transmembrane protein 2; plus strand). Cytogenetic location: 16p11.2.
Variant type: single nucleotide variant.
Coding change: c.879+20A>G on transcript NM_145239.3 (MANE Select); 20 bases into the intron after coding-DNA position 879, A replaced by G.
Molecular consequence: intron variant. On other transcripts: stop lost (1).
Genome position (GRCh38, 1-based): chr16:29,813,953, A>G. VCF-style: chr16-29813953-A-G. GRCh37 (hg19) VCF-style: chr16-29825274-A-G.
Other names: *300W; c.899A>G, p.Ter300Trp (NM_001256443.2); c.879+20A>G (NM_001256442.2).
Identifiers: ClinVar variation 511510 (VCV000511510.1), dbSNP rs1555502808, ClinGen allele CA395480372.